The following is an entry in ClinVar:

NM_001388492.1(HTT):c.5153A>G (p.Asp1718Gly)

Gene: HTT (huntingtin; plus strand). Cytogenetic location: 4p16.3.
Variant type: single nucleotide variant.
Coding change: c.5153A>G on transcript NM_001388492.1 (MANE Select); coding-DNA position 5153, A replaced by G.
Protein change: p.Asp1718Gly; replaces aspartic acid 1718 with glycine.
Molecular consequence: missense variant.
Genome position (GRCh38, 1-based): chr4:3,187,814, A>G. VCF-style: chr4-3187814-A-G. GRCh37 (hg19) VCF-style: chr4-3189541-A-G.
Other names: c.5159A>G, p.Asp1720Gly (NM_002111.8); short protein forms D1720G, D1718G.
Identifiers: ClinVar variation 1436754 (VCV001436754.6), dbSNP rs1386852988, ClinGen allele CA356072910.

ClinVar aggregate classification (germline): Uncertain significance (1 of 4 stars; one submission).

gnomAD v4.1: 6 of 1,613,338 alleles (0.00037%); highest among the groups gnomAD compares: Non-Finnish European, 0.00042%; no homozygotes.

Submission:

Labcorp Genetics (formerly Invitae), Labcorp
Classification: Uncertain significance. Last evaluated: 2022-05-27. Review status: criteria provided, single submitter. Criteria: Invitae Variant Classification Sherloc (09022015). Collection method: clinical testing. Allele origin: germline.
Comment: Experimental studies and prediction algorithms are not available or were not evaluated, and the functional significance of this variant is currently unknown. This variant has not been reported in the literature in individuals affected with HTT-related conditions. This variant is present in population databases (no rsID available, gnomAD 0.0009%). This sequence change replaces aspartic acid, which is acidic and polar, with glycine, which is neutral and non-polar, at codon 1720 of the HTT protein (p.Asp1720Gly). In summary, the available evidence is currently insufficient to determine the role of this variant in disease. Therefore, it has been classified as a Variant of Uncertain Significance.